The following is an entry in ClinVar:

ClinVar aggregate classification (germline): Likely pathogenic (1 of 4 stars; one submission).

Submission:

Labcorp Genetics (formerly Invitae), Labcorp
Classification: Likely pathogenic. Last evaluated: 2025-11-05. Review status: criteria provided, single submitter. Criteria: Invitae Variant Classification Sherloc (09022015). Collection method: clinical testing. Allele origin: germline.
Comment: This sequence change replaces leucine, which is neutral and non-polar, with proline, which is neutral and non-polar, at codon 134 of the BEST1 protein (p.Leu134Pro). This variant is not present in population databases (gnomAD no frequency). This variant has not been reported in the literature in individuals affected with BEST1-related conditions. ClinVar contains an entry for this variant (Variation ID: 2105430). Invitae Evidence Modeling of protein sequence and biophysical properties (such as structural, functional, and spatial information, amino acid conservation, physicochemical variation, residue mobility, and thermodynamic stability) indicates that this missense variant is expected to disrupt BEST1 protein function with a positive predictive value of 95%. This variant disrupts the p.Leu134 amino acid residue in BEST1. Other variant(s) that disrupt this residue have been determined to be pathogenic (PMID: 29507198, 32239196, 33302512). This suggests that this residue is clinically significant, and that variants that disrupt this residue are likely to be disease-causing. In summary, the currently available evidence indicates that the variant is pathogenic, but additional data are needed to prove that conclusively. Therefore, this variant has been classified as Likely Pathogenic.

Literature cited by the submitters: PubMed 29507198; PubMed 32239196; PubMed 33302512.

NM_004183.4(BEST1):c.401T>C (p.Leu134Pro)

Gene: BEST1 (bestrophin 1; plus strand). Cytogenetic location: 11q12.3.
Variant type: single nucleotide variant.
Coding change: c.401T>C on transcript NM_004183.4 (MANE Select); coding-DNA position 401, T replaced by C.
Protein change: p.Leu134Pro; replaces leucine 134 with proline.
Molecular consequence: missense variant. On other transcripts: non-coding transcript variant (1).
Genome position (GRCh38, 1-based): chr11:61,955,871, T>C. VCF-style: chr11-61955871-T-C. GRCh37 (hg19) VCF-style: chr11-61723343-T-C.
Other names: c.221T>C, p.Leu74Pro (NM_001139443.3, NM_001300786.2, NM_001300787.2); c.83T>C, p.Leu28Pro (NM_001363591.3); c.401T>C, p.Leu134Pro (NM_001363592.2); c.-775T>C (NM_001363593.3); short protein forms L134P, L28P, L74P.
Identifiers: ClinVar variation 2105430 (VCV002105430.4), dbSNP rs2541363547, ClinGen allele CA380835045.